The following is an entry in ClinVar:

ClinVar aggregate classification (germline): Uncertain significance (1 of 4 stars; one submission).

Conditions:
Severe combined immunodeficiency due to IKK2 deficiency. Also called: Immunodeficiency 15; IMMUNODEFICIENCY 15B. Identifiers: Orphanet 397787, MedGen C4747743, MONDO:0014267, OMIM 615592.

Allele frequency attached by ClinVar (database versions not stated): gnomAD exomes below 0.00001; TOPMed below 0.00001; gnomAD 0.00001.
gnomAD v4.1: 6 of 1,612,936 alleles (0.00037%); highest among the groups gnomAD compares: Admixed American, 0.0017%; no homozygotes.

Submission:

Labcorp Genetics (formerly Invitae), Labcorp
Classification: Uncertain significance for Severe combined immunodeficiency due to IKK2 deficiency. Last evaluated: 2021-09-01. Review status: criteria provided, single submitter. Criteria: Invitae Variant Classification Sherloc (09022015). Collection method: clinical testing. Allele origin: germline.
Comment: This sequence change replaces lysine with glutamic acid at codon 234 of the IKBKB protein (p.Lys234Glu). The lysine residue is highly conserved and there is a small physicochemical difference between lysine and glutamic acid. This variant is not present in population databases (ExAC no frequency). This variant has not been reported in the literature in individuals affected with IKBKB-related conditions. Algorithms developed to predict the effect of missense changes on protein structure and function are either unavailable or do not agree on the potential impact of this missense change (SIFT: "Deleterious"; PolyPhen-2: "Possibly Damaging"; Align-GVGD: "Class C0"). In summary, the available evidence is currently insufficient to determine the role of this variant in disease. Therefore, it has been classified as a Variant of Uncertain Significance.

NM_001556.3(IKBKB):c.700A>G (p.Lys234Glu)

Gene: IKBKB (inhibitor of nuclear factor kappa B kinase subunit beta; plus strand). Cytogenetic location: 8p11.21.
Variant type: single nucleotide variant.
Coding change: c.700A>G on transcript NM_001556.3 (MANE Select); coding-DNA position 700, A replaced by G.
Protein change: p.Lys234Glu; replaces lysine 234 with glutamic acid.
Molecular consequence: missense variant. On other transcripts: non-coding transcript variant (3).
Genome position (GRCh38, 1-based): chr8:42,314,329, A>G. VCF-style: chr8-42314329-A-G. GRCh37 (hg19) VCF-style: chr8-42171847-A-G.
Other names: c.508A>G, p.Lys170Glu (NM_001190720.3); c.523A>G, p.Lys175Glu (NM_001242778.2); short protein forms K234E, K175E, K170E.
Identifiers: ClinVar variation 658018 (VCV000658018.3), dbSNP rs1193171808, ClinGen allele CA371083022.